The following is an entry in ClinVar:

ClinVar aggregate classification (germline): Likely pathogenic (1 of 4 stars; one submission).

Conditions:
Parkinsonian-pyramidal syndrome. Also called: PARKINSON DISEASE 15, AUTOSOMAL RECESSIVE EARLY-ONSET; PARKINSON DISEASE 15, AUTOSOMAL RECESSIVE; PALLIDOPYRAMIDAL SYNDROME. Identifiers: Orphanet 171695, MedGen C1850100, MONDO:0009830, OMIM 260300.

Submission:

Labcorp Genetics (formerly Invitae), Labcorp
Classification: Likely pathogenic for Parkinsonian-pyramidal syndrome. Last evaluated: 2023-06-09. Review status: criteria provided, single submitter. Criteria: Invitae Variant Classification Sherloc (09022015). Collection method: clinical testing. Allele origin: germline.
Comment: In summary, the currently available evidence indicates that the variant is pathogenic, but additional data are needed to prove that conclusively. Therefore, this variant has been classified as Likely Pathogenic. Algorithms developed to predict the effect of sequence changes on RNA splicing suggest that this variant may disrupt the consensus splice site. This variant has not been reported in the literature in individuals affected with FBXO7-related conditions. This variant is not present in population databases (gnomAD no frequency). This sequence change affects a splice site in intron 8 of the FBXO7 gene. It is expected to disrupt RNA splicing. Variants that disrupt the donor or acceptor splice site typically lead to a loss of protein function (PMID: 16199547), and loss-of-function variants in FBXO7 are known to be pathogenic (PMID: 21347293).

Literature cited by the submitters: PubMed 16199547; PubMed 21347293.

NM_012179.4(FBXO7):c.1183-2_1183-1del

Gene: FBXO7 (F-box protein 7; plus strand). Cytogenetic location: 22q12.3.
Variant type: Deletion.
Coding change: c.1183-2_1183-1del on transcript NM_012179.4 (MANE Select); the canonical splice acceptor site of the intron before coding-DNA position 1183, 2 bases deleted (AG; older notation c.1183-2_1183-1delAG).
Molecular consequence: splice acceptor variant.
Genome position (GRCh38, 1-based): chr22:32,498,142-32,498,143, AG deleted. VCF-style (leftmost placement, unchanged base first): chr22-32498141-CAG-C. GRCh37 (hg19) VCF-style: chr22-32894128-CAG-C.
Other names: c.841-2_841-1del (NM_001257990.2); c.946-2_946-1del (NM_001033024.2).
Identifiers: ClinVar variation 2703113 (VCV002703113.3), dbSNP rs2544671633, ClinGen allele CA2697552723.